The following is an entry in ClinVar:

NM_001018115.3(FANCD2):c.3849+13A>G

Genes: FANCD2 (FA complementation group D2; plus strand), FANCD2OS (FANCD2 opposite strand; minus strand). Cytogenetic location: 3p25.3.
Variant type: single nucleotide variant.
Coding change: c.3849+13A>G on transcript NM_001018115.3 (MANE Select); 13 bases into the intron after coding-DNA position 3849, A replaced by G.
Molecular consequence: intron variant.
Genome position (GRCh38, 1-based): chr3:10,092,265, A>G. VCF-style: chr3-10092265-A-G. GRCh37 (hg19) VCF-style: chr3-10133949-A-G.
Other names: c.3849+13A>G (NM_033084.4, NM_001319984.2, NM_033084.6 and 1 more transcripts); c.3738+13A>G (NM_001374253.1); c.*44-10734T>C (NM_173472.2).
Identifiers: ClinVar variation 257079 (VCV000257079.22), dbSNP rs9811771, ClinGen allele CA2250535.
Genomic context (GRCh38, chr3:10,092,265, plus strand): 5'-TGGAACATGGCTGTTCGAGACTTCAGTATCCTCATCAACTTGATAAAGGTGAGTATGGAG[A>G]CTGCTTGACACATCTCACCAAATAACTGCAGAAACCAAGTGTCCTGGCTTCCAAAATGGA-3'

ClinVar aggregate classification (germline): Benign/Likely benign. Review status: criteria provided, multiple submitters, no conflicts (2 of 4 stars). 10 submissions from 10 submitters: Benign (9); Likely benign (1). Last evaluated 2026-03-23.

Conditions:
Fanconi anemia complementation group D2. Also called: FANCD2-Related Fanconi Anemia; FANCONI PANCYTOPENIA, TYPE 4; FANCONI ANEMIA, COMPLEMENTATION GROUP D. Identifiers: Orphanet 84, MedGen C3160738, MONDO:0009214, OMIM 227646.
Fanconi anemia (FA). Also called: Fanconi's anemia. Identifiers: Orphanet 84, MedGen C0015625, MeSH D005199, MONDO:0019391.
Hereditary breast ovarian cancer syndrome. Also called: BRCA1- and BRCA2-Associated Hereditary Breast and Ovarian Cancer; Hereditary breast and/or ovarian cancer syndrome; Hereditary breast and ovarian cancer syndrome (HBOC); Hereditary breast and ovarian cancer syndrome; Hereditary breast and ovarian cancer; Breast and ovarian cancer. Identifiers: Orphanet 145, MedGen C0677776, MeSH D061325, MONDO:0003582. Disease mechanism: loss of function.

Allele frequency attached by ClinVar (database versions not stated): ExAC 0.19180; 1000 Genomes Project 0.25419; TOPMed 0.26636; ESP Exome Variant Server 0.27541; gnomAD exomes 0.18459; gnomAD 0.25616 and 0.24954; 1000 Genomes Project 30x 0.26655.
gnomAD v4.1: 287,499 of 1,588,626 alleles (18%); highest among the groups gnomAD compares: African/African-American, 49%; 30,724 homozygotes.

Submissions (10):

Women's Health and Genetics/Laboratory Corporation of America, LabCorp
Classification: Benign. Last evaluated: 2026-03-23. Review status: criteria provided, single submitter. Criteria: LabCorp Variant Classification Summary - May 2015. Collection method: clinical testing. Allele origin: germline.

Labcorp Genetics (formerly Invitae), Labcorp
Classification: Benign for Fanconi anemia. Last evaluated: 2026-02-04. Review status: criteria provided, single submitter. Criteria: Invitae Variant Classification Sherloc (09022015). Collection method: clinical testing. Allele origin: germline.

ARUP Laboratories, Molecular Genetics and Genomics, ARUP Laboratories
Classification: Benign for Fanconi anemia complementation group D2. Last evaluated: 2025-07-18. Review status: criteria provided, single submitter. Criteria: ARUP Molecular Germline Variant Investigation Process 2024. Collection method: clinical testing. Allele origin: germline.

Blueprint Genetics
Classification: Likely benign. Last evaluated: 2024-11-26. Review status: criteria provided, single submitter. Criteria: ACMG Guidelines, 2015. Collection method: clinical testing. Allele origin: germline.

KCCC/NGS Laboratory, Kuwait Cancer Control Center
Classification: Benign for Fanconi anemia complementation group D2. Last evaluated: 2023-07-07. Review status: criteria provided, single submitter. Criteria: ACMG Guidelines, 2015. Collection method: clinical testing. Allele origin: germline. Affected: yes.

National Health Laboratory Service, Universitas Academic Hospital and University of the Free State
Classification: Benign for Hereditary breast ovarian cancer syndrome. Last evaluated: 2022-04-19. Review status: criteria provided, single submitter. Criteria: ACMG Guidelines, 2015. Collection method: clinical testing. Allele origin: germline. Affected: yes. Observed: 202 variant alleles.

GeneDx
Classification: Benign. Last evaluated: 2019-02-11. Review status: criteria provided, single submitter. Criteria: GeneDx Variant Classification Process June 2021. Collection method: clinical testing. Allele origin: germline. Affected: yes.

Illumina Laboratory Services, Illumina
Classification: Benign for Fanconi anemia complementation group D2. Last evaluated: 2018-01-13. Review status: criteria provided, single submitter. Criteria: ICSL Variant Classification Criteria 13 December 2019. Collection method: clinical testing. Allele origin: germline.
Comment: This variant was observed in the ICSL laboratory as part of a predisposition screen in an ostensibly healthy population. It had not been previously curated by ICSL or reported in the Human Gene Mutation Database (HGMD: prior to June 1st, 2018), and was therefore a candidate for classification through an automated scoring system. Utilizing variant allele frequency, disease prevalence and penetrance estimates, and inheritance mode, an automated score was calculated to assess if this variant is too frequent to cause the disease. Based on the score and internal cut-off values, a variant classified as benign is not then subjected to further curation. The score for this variant resulted in a classification of benign for this disease.

Breakthrough Genomics
Classification: Benign. Review status: criteria provided, single submitter. Criteria: ACMG Guidelines, 2015. Collection method: not provided. Allele origin: germline. Inheritance: Autosomal recessive inheritance. Affected: yes.

PreventionGenetics, part of Exact Sciences
Classification: Benign. Review status: criteria provided, single submitter. Criteria: ACMG Guidelines, 2015. Collection method: clinical testing. Allele origin: germline.